The following is an entry in ClinVar:

ClinVar aggregate classification (germline): Uncertain significance (1 of 4 stars; one submission).

Allele frequency attached by ClinVar (database versions not stated): gnomAD 0.00001; ExAC 0.00002; TOPMed 0.00002.
gnomAD v4.1: 6 of 1,613,132 alleles (0.00037%); highest among the groups gnomAD compares: Admixed American, 0.005%; no homozygotes.

Submission:

Labcorp Genetics (formerly Invitae), Labcorp
Classification: Uncertain significance. Last evaluated: 2022-09-25. Review status: criteria provided, single submitter. Criteria: Invitae Variant Classification Sherloc (09022015). Collection method: clinical testing. Allele origin: germline.
Comment: In summary, the available evidence is currently insufficient to determine the role of this variant in disease. Therefore, it has been classified as a Variant of Uncertain Significance. Advanced modeling of protein sequence and biophysical properties (such as structural, functional, and spatial information, amino acid conservation, physicochemical variation, residue mobility, and thermodynamic stability) has been performed at Invitae for this missense variant, however the output from this modeling did not meet the statistical confidence thresholds required to predict the impact of this variant on PDE6B protein function. This variant has not been reported in the literature in individuals affected with PDE6B-related conditions. This variant is present in population databases (rs769260729, gnomAD 0.009%). This sequence change replaces glutamic acid, which is acidic and polar, with lysine, which is basic and polar, at codon 412 of the PDE6B protein (p.Glu412Lys).

NM_000283.4(PDE6B):c.1234G>A (p.Glu412Lys)

Gene: PDE6B (phosphodiesterase 6B; plus strand). Cytogenetic location: 4p16.3.
Variant type: single nucleotide variant.
Coding change: c.1234G>A on transcript NM_000283.4 (MANE Select); coding-DNA position 1234, G replaced by A.
Protein change: p.Glu412Lys; replaces glutamic acid 412 with lysine.
Molecular consequence: missense variant.
Genome position (GRCh38, 1-based): chr4:657,000, G>A. VCF-style: chr4-657000-G-A. GRCh37 (hg19) VCF-style: chr4-650789-G-A.
Other names: c.1234G>A, p.Glu412Lys (NM_001145291.2); c.397G>A, p.Glu133Lys (NM_001145292.2, NM_001350154.3, NM_001379246.1 and 1 more transcripts); c.79G>A, p.Glu27Lys (NM_001350155.3); short protein forms E133K, E27K, E412K.
Identifiers: ClinVar variation 2191980 (VCV002191980.4), dbSNP rs769260729, ClinGen allele CA2794395.